The following is an entry in ClinVar:

ClinVar aggregate classification (germline): Conflicting classifications of pathogenicity. Review status: criteria provided, conflicting classifications (1 of 4 stars). 11 submissions from 11 submitters: Likely pathogenic (1); Uncertain significance (10). Last evaluated 2026-06-15.

Conditions:
Monogenic diabetes. Identifiers: Orphanet 183625, MedGen C3888631, MONDO:0015967.
WFS1-related disorder. Identifiers: MedGen CN379391, MONDO:0700293.
Inborn genetic diseases. Identifiers: MedGen C0950123, MeSH D030342.
Cataract 41 (CTRCT41). Also called: CATARACT 41, CONGENITAL NUCLEAR TYPE. Identifiers: Orphanet 91492, Orphanet 98991, Orphanet 98992, Orphanet 98995, MedGen C3805412, MONDO:0007287, OMIM 116400.
Autosomal dominant nonsyndromic hearing loss 6 (LFSNHL). Also called: Autosomal dominant nonsyndromic deafness 6; DEAFNESS, AUTOSOMAL DOMINANT 6; DEAFNESS, AUTOSOMAL DOMINANT 14; DEAFNESS, AUTOSOMAL DOMINANT 38. Identifiers: Orphanet 90635, MedGen C1833021, MONDO:0010963, OMIM 600965.
Type 2 diabetes mellitus. Also called: Type II diabetes mellitus. Identifiers: MedGen C0011860, MeSH D003924, MONDO:0005148, OMIM 125853, HP:0005978.
Wolfram syndrome 1 (WFS1). Identifiers: Orphanet 3463, MedGen C4551693, MONDO:0009101, OMIM 222300.
Wolfram-like syndrome. Also called: HEARING LOSS, PROGRESSIVE, WITH OPTIC ATROPHY AND/OR IMPAIRED GLUCOSE REGULATION. Identifiers: Orphanet 411590, MedGen C3280358, MONDO:0013673, OMIM 614296.
Retinal dystrophy. Also called: Inherited retinal dystrophy. Identifiers: Orphanet 71862, MedGen C0854723, MeSH D058499, MONDO:0019118, HP:0000556.

Allele frequency attached by ClinVar (database versions not stated): ESP Exome Variant Server 0.00008; gnomAD exomes 0.00008 and 0.00010; ExAC 0.00011; TOPMed 0.00012; gnomAD 0.00015 and 0.00016.
gnomAD v4.1: 142 of 1,612,806 alleles (0.0088%); highest among the groups gnomAD compares: East Asian, 0.018%; no homozygotes.

Submissions (11):

PreventionGenetics, part of Exact Sciences
Classification: Uncertain significance for WFS1-related condition. Last evaluated: 2026-06-15. Review status: criteria provided, single submitter. Criteria: ACMG Guidelines, 2015. Collection method: clinical testing. Allele origin: germline.
Comment: The WFS1 c.2122C>T variant is predicted to result in the amino acid substitution p.Arg708Cys. This variant was reported in the heterozygous state in a patient with Wolfram syndrome, and was described as ‘probably neutral’ due the patient being homozygous for a different pathogenic premature termination variant (Tessa et al. 2001. PubMed ID: 11295831). This variant has also been reported in patients with type 1 diabetes (Table S6, Yu et al. 2019. PubMed ID: 31264968; Li et al. 2023. PubMed ID: 37277527), neuroendocrine tumors (Tsoy et al. 2024. PubMed ID: 39536727) and auditory neuropathy (Table S4, Wang et al. 2024. PubMed ID: 38456936). This variant is assessed in ClinVar as uncertain and likely pathogenic (Variation ID: 285046). This variant is reported in 0.020% of alleles in individuals of East Asian descent in gnomAD. At this time, the clinical significance of this variant is uncertain due to the absence of conclusive functional and genetic evidence.

Labcorp Genetics (formerly Invitae), Labcorp
Classification: Likely pathogenic. Last evaluated: 2026-01-01. Review status: criteria provided, single submitter. Criteria: Invitae Variant Classification Sherloc (09022015). Collection method: clinical testing. Allele origin: germline.
Comment: This sequence change replaces arginine, which is basic and polar, with cysteine, which is neutral and slightly polar, at codon 708 of the WFS1 protein (p.Arg708Cys). This variant is present in population databases (rs200099217, gnomAD 0.02%). This missense change has been observed in individual(s) with clinical features of autosomal recessive WFS1-related conditions or type 2 diabetes (PMID: 11295831, 31264968, 37277527, 38456936; internal data). In at least one individual the data is consistent with being in trans (on the opposite chromosome) from a pathogenic variant. ClinVar contains an entry for this variant (Variation ID: 285046). Invitae Evidence Modeling of protein sequence and biophysical properties (such as structural, functional, and spatial information, amino acid conservation, physicochemical variation, residue mobility, and thermodynamic stability) indicates that this missense variant is expected to disrupt WFS1 protein function with a positive predictive value of 95%. In summary, the currently available evidence indicates that the variant is pathogenic, but additional data are needed to prove that conclusively. Therefore, this variant has been classified as Likely Pathogenic.

GeneDx
Classification: Uncertain significance. Last evaluated: 2025-11-18. Review status: criteria provided, single submitter. Criteria: GeneDx Variant Classification Process June 2021. Collection method: clinical testing. Allele origin: germline. Affected: yes.
Comment: Reported previously in the heterozygous state in an individual with Wolfram syndrome who was also apparently homozygous for a WFS1 frameshift variant (PMID: 11295831); Reported previously as a variant identified at a low frequency in individuals with type 1 diabetes; however, additional details were not provided to support the potential pathogenicity of this variant (PMID: 23856252); In silico analysis supports that this missense variant has a deleterious effect on protein structure/function; This variant is associated with the following publications: (PMID: 18688868, 26435059, 20972738, 15368487, 23856252, 11295831, 37277527, 31264968, 39536727, 38456936)

Blueprint Genetics
Classification: Uncertain significance. Last evaluated: 2024-09-13. Review status: criteria provided, single submitter. Criteria: ACMG Guidelines, 2015. Collection method: clinical testing. Allele origin: germline.

Fulgent Genetics
Classification: Uncertain significance for Cataract 41; Type 2 diabetes mellitus; Wolfram syndrome 1; Autosomal dominant nonsyndromic hearing loss 6; Wolfram-like syndrome. Last evaluated: 2024-06-20. Review status: criteria provided, single submitter. Criteria: ACMG Guidelines, 2015. Collection method: clinical testing. Allele origin: germline.

Ambry Genetics
Classification: Uncertain significance for Inborn genetic diseases. Last evaluated: 2022-06-28. Review status: criteria provided, single submitter. Criteria: Ambry Variant Classification Scheme 2023. Collection method: clinical testing. Allele origin: germline.
Comment: Unlikely to be causative of autosomal dominant WFS1-related Wolfram syndrome and autosomal dominant WFS1-related low frequency sensorineural hearing loss Based on insufficient or conflicting evidence, the clinical significance of this alteration remains unclear.

Institute of Human Genetics, Univ. Regensburg, Univ. Regensburg
Classification: Uncertain significance for Retinal dystrophy. Last evaluated: 2020-01-01. Review status: criteria provided, single submitter. Criteria: ACMG Guidelines, 2015. Collection method: clinical testing. Allele origin: germline. Affected: yes.

CeGaT Center for Human Genetics Tuebingen
Classification: Uncertain significance. Last evaluated: 2017-08-01. Review status: criteria provided, single submitter. Criteria: CeGaT Center For Human Genetics Tuebingen Variant Classification Criteria Version 2. Collection method: clinical testing. Allele origin: germline. Affected: yes. Observed: 2 variant alleles.

Personalized Diabetes Medicine Program, University of Maryland School of Medicine
Classification: Uncertain significance for Monogenic diabetes. Last evaluated: 2015-12-16. Review status: criteria provided, single submitter. Criteria: ACMG Guidelines, 2015. Collection method: research. Allele origin: unknown. Observed: 1 variant allele, 1 heterozygote.
Comment: ACMG Criteria: PP3

Eurofins Ntd Llc (ga)
Classification: Uncertain significance. Last evaluated: 2015-12-02. Review status: criteria provided, single submitter. Criteria: EGL Classification Definitions 2015. Collection method: clinical testing. Allele origin: germline. Observed: 2 variant alleles, 2 heterozygotes.

Juno Genomics, Hangzhou Juno Genomics, Inc
Classification: Uncertain significance for Wolfram syndrome 1. Review status: criteria provided, single submitter. Criteria: ACMG Guidelines, 2015. Collection method: clinical testing. Allele origin: germline.
Comment: Absent from controls (or at extremely low frequency if recessive) in Genome Aggregation Database.;Multiple lines of computational evidence support a deleterious effect on the gene or gene product.

Literature cited by the submitters: PubMed 11295831 (cited by 3 submitters); PubMed 31264968 (cited by Labcorp Genetics (formerly Invitae), Labcorp); PubMed 37277527 (cited by Labcorp Genetics (formerly Invitae), Labcorp); PubMed 38456936 (cited by Labcorp Genetics (formerly Invitae), Labcorp); PubMed 28432734 (cited by Ambry Genetics); PubMed 3126496 (cited by Institute of Human Genetics, Univ. Regensburg, Univ. Regensburg).

NM_006005.3(WFS1):c.2122C>T (p.Arg708Cys)

Gene: WFS1 (wolframin ER transmembrane glycoprotein; plus strand). Cytogenetic location: 4p16.1.
Variant type: single nucleotide variant.
Coding change: c.2122C>T on transcript NM_006005.3 (MANE Select); coding-DNA position 2122, C replaced by T.
Protein change: p.Arg708Cys; replaces arginine 708 with cysteine.
Molecular consequence: missense variant.
Genome position (GRCh38, 1-based): chr4:6,301,917, C>T. VCF-style: chr4-6301917-C-T. GRCh37 (hg19) VCF-style: chr4-6303644-C-T.
Other names: c.2122C>T, p.Arg708Cys (NM_001145853.1); short protein forms R708C.
Identifiers: ClinVar variation 285046 (VCV000285046.64), dbSNP rs200099217, ClinGen allele CA2839605.
Genomic context (GRCh38, chr4:6,301,917, plus strand): 5'-ATCCTCTGCAGCCACCTGGAGGGCCACAGGGTCACGTGGACCGGCCGCTTCAAGTACGTC[C>T]GCGTGACTGACATCGACAACAGCGCCGAGTCTGCCATCAACATGCTCCCGTTCTTCATCG-3'
Protein context (NP_005996.2, residues 698-718): VTWTGRFKYV[Arg708Cys]VTDIDNSAES